The following is an entry in ClinVar:

NM_003442.6(ZNF143):c.1600A>G (p.Thr534Ala)

Gene: ZNF143 (zinc finger protein 143; plus strand). Cytogenetic location: 11p15.4.
Variant type: single nucleotide variant.
Coding change: c.1600A>G on transcript NM_003442.6 (MANE Select); coding-DNA position 1600, A replaced by G.
Protein change: p.Thr534Ala; replaces threonine 534 with alanine.
Molecular consequence: missense variant.
Genome position (GRCh38, 1-based): chr11:9,516,276, A>G. VCF-style: chr11-9516276-A-G. GRCh37 (hg19) VCF-style: chr11-9537823-A-G.
Other names: c.1507A>G, p.Thr503Ala (NM_001282657.2); c.1597A>G, p.Thr533Ala (NM_001282656.2); c.1600A>G (NM_003442.5); short protein forms T503A, T533A, T534A.
Identifiers: ClinVar variation 3614300 (VCV003614300.3).

ClinVar aggregate classification (germline): Uncertain significance. Review status: criteria provided, multiple submitters, no conflicts (2 of 4 stars). 2 submissions from 2 submitters: Uncertain significance (2). Last evaluated 2025-04-21.

gnomAD v4.1: 35 of 1,614,034 alleles (0.0022%); highest among the groups gnomAD compares: Non-Finnish European, 0.0029%; no homozygotes.

Submissions (2):

Ambry Genetics
Classification: Uncertain significance. Last evaluated: 2025-04-21. Review status: criteria provided, single submitter. Criteria: Ambry Variant Classification Scheme 2023. Collection method: clinical testing. Allele origin: germline.

Labcorp Genetics (formerly Invitae), Labcorp
Classification: Uncertain significance. Last evaluated: 2024-08-08. Review status: criteria provided, single submitter. Criteria: Invitae Variant Classification Sherloc (09022015). Collection method: clinical testing. Allele origin: germline.
Comment: This sequence change replaces threonine, which is neutral and polar, with alanine, which is neutral and non-polar, at codon 534 of the ZNF143 protein (p.Thr534Ala). This variant is present in population databases (rs373010722, gnomAD 0.004%). This variant has not been reported in the literature in individuals affected with ZNF143-related conditions. An algorithm developed to predict the effect of missense changes on protein structure and function (PolyPhen-2) suggests that this variant is likely to be tolerated. In summary, the available evidence is currently insufficient to determine the role of this variant in disease. Therefore, it has been classified as a Variant of Uncertain Significance.